The following is an entry in ClinVar:

NM_018942.3(HMX1):c.233G>A (p.Gly78Asp)

Gene: HMX1 (H6 family homeobox 1; minus strand). Cytogenetic location: 4p16.1.
Variant type: single nucleotide variant.
Coding change: c.233G>A on transcript NM_018942.3 (MANE Select); coding-DNA position 233, G replaced by A.
Protein change: p.Gly78Asp; replaces glycine 78 with aspartic acid.
Molecular consequence: missense variant.
Genome position (GRCh38, 1-based): chr4:8,871,382, C>T on the plus strand (G>A on the coding strand, the complement: HMX1 is on the minus strand). VCF-style: chr4-8871382-C-T. GRCh37 (hg19) VCF-style: chr4-8873108-C-T.
Other names: c.233G>A, p.Gly78Asp (NM_001306142.2); short protein forms G78D.
Identifiers: ClinVar variation 970076 (VCV000970076.6), dbSNP rs908660366, ClinGen allele CA92350228.

ClinVar aggregate classification (germline): Uncertain significance. Review status: criteria provided, multiple submitters, no conflicts (2 of 4 stars). 2 submissions from 2 submitters: Uncertain significance (2). Last evaluated 2024-07-25.

Allele frequency attached by ClinVar (database versions not stated): gnomAD 0.00020; TOPMed 0.00023; gnomAD exomes 0.00032.
gnomAD v4.1: 375 of 1,241,874 alleles (0.03%); highest among the groups gnomAD compares: Middle Eastern, 0.098%; no homozygotes.

Submissions (2):

Blueprint Genetics
Classification: Uncertain significance. Last evaluated: 2024-07-25. Review status: criteria provided, single submitter. Criteria: ACMG Guidelines, 2015. Collection method: clinical testing. Allele origin: germline.

Labcorp Genetics (formerly Invitae), Labcorp
Classification: Uncertain significance. Last evaluated: 2022-10-05. Review status: criteria provided, single submitter. Criteria: Invitae Variant Classification Sherloc (09022015). Collection method: clinical testing. Allele origin: germline.
Comment: This sequence change replaces glycine, which is neutral and non-polar, with aspartic acid, which is acidic and polar, at codon 78 of the HMX1 protein (p.Gly78Asp). This variant is present in population databases (no rsID available, gnomAD 0.03%). This variant has not been reported in the literature in individuals affected with HMX1-related conditions. ClinVar contains an entry for this variant (Variation ID: 970076). Algorithms developed to predict the effect of missense changes on protein structure and function are either unavailable or do not agree on the potential impact of this missense change (SIFT: "Tolerated"; PolyPhen-2: "Not Available"; Align-GVGD: "Class C0"). In summary, the available evidence is currently insufficient to determine the role of this variant in disease. Therefore, it has been classified as a Variant of Uncertain Significance.